The following is an entry in ClinVar:

NM_020745.4(AARS2):c.424G>A (p.Glu142Lys)

Gene: AARS2 (alanyl-tRNA synthetase 2, mitochondrial; minus strand). Cytogenetic location: 6p21.1.
Variant type: single nucleotide variant.
Coding change: c.424G>A on transcript NM_020745.4 (MANE Select); coding-DNA position 424, G replaced by A.
Protein change: p.Glu142Lys; replaces glutamic acid 142 with lysine.
Molecular consequence: missense variant.
Genome position (GRCh38, 1-based): chr6:44,312,083, C>T on the plus strand (G>A on the coding strand, the complement: AARS2 is on the minus strand). VCF-style: chr6-44312083-C-T. GRCh37 (hg19) VCF-style: chr6-44279820-C-T.
Other names: short protein forms E142K.
Identifiers: ClinVar variation 432642 (VCV000432642.2), dbSNP rs1554149186, ClinGen allele CA364341488.

ClinVar aggregate classification (germline): Uncertain significance (1 of 4 stars; one submission).

Allele frequency attached by ClinVar (database versions not stated): gnomAD exomes below 0.00001.

Submission:

GeneDx
Classification: Uncertain significance. Last evaluated: 2018-04-20. Review status: criteria provided, single submitter. Criteria: GeneDx Variant Classification (06012015). Collection method: clinical testing. Allele origin: germline. Affected: yes.
Comment: The E142K variant in the AARS2 gene has not been reported previously as a pathogenic variant, nor as a benign variant, to our knowledge. The E142K variant is not observed in large population cohorts (Lek et al., 2016). The E142K variant is a non-conservative amino acid substitution, which is likely to impact secondary protein structure as these residues differ in polarity, charge, size and/or other properties. In-silico analyses, including protein predictors and evolutionary conservation, support a deleterious effect. We interpret E142K as a variant of uncertain significance.